The following is an entry in ClinVar:

NM_006648.4(WNK2):c.4490C>T (p.Ala1497Val)

Gene: WNK2 (WNK lysine deficient protein kinase 2; plus strand). Cytogenetic location: 9q22.31.
Variant type: single nucleotide variant.
Coding change: c.4490C>T on transcript NM_006648.4 (MANE Select); coding-DNA position 4490, C replaced by T.
Protein change: p.Ala1497Val; replaces alanine 1497 with valine.
Molecular consequence: missense variant.
Genome position (GRCh38, 1-based): chr9:93,289,244, C>T. VCF-style: chr9-93289244-C-T. GRCh37 (hg19) VCF-style: chr9-96051526-C-T.
Other names: c.4601C>T, p.Ala1534Val (NM_001282394.3); short protein forms A1497V, A1534V.
Identifiers: ClinVar variation 3190639 (VCV003190639.2), dbSNP rs777710522, ClinGen allele CA5130338.

ClinVar aggregate classification (germline): Uncertain significance (1 of 4 stars; one submission).

Allele frequency attached by ClinVar (database versions not stated): gnomAD exomes below 0.00001; TOPMed 0.00002; ExAC 0.00005.
gnomAD v4.1: 3 of 1,604,682 alleles (0.00019%); highest among the groups gnomAD compares: East Asian, 0.0067%; no homozygotes.

Submission:

Ambry Genetics
Classification: Uncertain significance. Last evaluated: 2025-02-03. Review status: criteria provided, single submitter. Criteria: Ambry Variant Classification Scheme 2023. Collection method: clinical testing. Allele origin: germline.
Comment: The p.A1497V variant (also known as c.4490C>T), located in coding exon 19 of the WNK2 gene, results from a C to T substitution at nucleotide position 4490. The alanine at codon 1497 is replaced by valine, an amino acid with similar properties. This amino acid position is conserved. In addition, this alteration is predicted to be tolerated by in silico analysis. Based on the available evidence, the clinical significance of this variant remains unclear.